The following is an entry in ClinVar:

NM_006735.4(HOXA2):c.552G>C (p.Glu184Asp)

Gene: HOXA2 (homeobox A2; minus strand). Cytogenetic location: 7p15.2.
Variant type: single nucleotide variant.
Coding change: c.552G>C on transcript NM_006735.4 (MANE Select); coding-DNA position 552, G replaced by C.
Protein change: p.Glu184Asp; replaces glutamic acid 184 with aspartic acid.
Molecular consequence: missense variant.
Genome position (GRCh38, 1-based): chr7:27,101,305, C>G on the plus strand (G>C on the coding strand, the complement: HOXA2 is on the minus strand). VCF-style: chr7-27101305-C-G. GRCh37 (hg19) VCF-style: chr7-27140924-C-G.
Other names: short protein forms E184D.
Identifiers: ClinVar variation 3384881 (VCV003384881.1).

ClinVar aggregate classification (germline): Uncertain significance (1 of 4 stars; one submission).

Submission:

Women's Health and Genetics/Laboratory Corporation of America, LabCorp
Classification: Uncertain significance. Last evaluated: 2024-10-07. Review status: criteria provided, single submitter. Criteria: LabCorp Variant Classification Summary - May 2015. Collection method: clinical testing. Allele origin: germline.
Comment: Variant summary: HOXA2 c.552G>C (p.Glu184Asp) results in a conservative amino acid change located in the Homeodomain domain (IPR001356) of the encoded protein sequence. Four of five in-silico tools predict a damaging effect of the variant on protein function. The variant was absent in 251476 control chromosomes. The available data on variant occurrences in the general population are insufficient to allow any conclusion about variant significance. To our knowledge, no occurrence of c.552G>C in individuals affected with Bilateral Microtia-Deafness Palate Syndrome and no experimental evidence demonstrating its impact on protein function have been reported. No submitters have cited clinical-significance assessments for this variant to ClinVar. Based on the evidence outlined above, the variant was classified as uncertain significance.